The following is an entry in ClinVar:

ClinVar aggregate classification (germline): Likely benign (0 of 4 stars; one submission).

Conditions:
KCNAB2-related disorder. Also called: KCNAB2-related condition.

Allele frequency attached by ClinVar (database versions not stated): ESP Exome Variant Server 0.00008; 1000 Genomes Project 30x 0.00016; ExAC 0.00017.
gnomAD v4.1: 86 of 1,614,200 alleles (0.0053%); highest among the groups gnomAD compares: East Asian, 0.08%; no homozygotes.

Submission:

PreventionGenetics, part of Exact Sciences
Classification: Likely benign for KCNAB2-related condition. Last evaluated: 2019-04-22. Review status: no assertion criteria provided. Collection method: clinical testing. Allele origin: germline.
Comment: This variant is classified as likely benign based on ACMG/AMP sequence variant interpretation guidelines (Richards et al. 2015 PMID: 25741868, with internal and published modifications).

NM_001199862.2(KCNAB2):c.438C>T (p.Leu146=)

Gene: KCNAB2 (potassium voltage-gated channel subfamily A regulatory beta subunit 2; plus strand). Cytogenetic location: 1p36.31.
Variant type: single nucleotide variant.
Coding change: c.438C>T on transcript NM_001199862.2 (MANE Select); coding-DNA position 438, C replaced by T.
Protein change: p.Leu146=; no amino-acid change (leucine 146 retained).
Molecular consequence: synonymous variant.
Genome position (GRCh38, 1-based): chr1:6,087,479, C>T. VCF-style: chr1-6087479-C-T. GRCh37 (hg19) VCF-style: chr1-6147539-C-T.
Other names: c.339C>T, p.Leu113= (NM_001199860.2, NM_001199861.2, NM_003636.4); c.138C>T, p.Leu46= (NM_001199863.2); c.297C>T, p.Leu99= (NM_172130.3).
Identifiers: ClinVar variation 3058590 (VCV003058590.2), dbSNP rs143477926, ClinGen allele CA555233.
Genomic context (GRCh38, chr1:6,087,479, plus strand): 5'-CCCAGGGGCCGGGCTTATCACACCCCTTCTTTCTCTTCTGTTCCACAGGCGGTCCAGCCT[C>T]GTCATCACCACCAAGATCTTCTGGGGCGGAAAGTAGGTGCAACAGCTGGCGATGCTTCCA-3'
Protein context (NP_001186791.1, residues 136-156): IKKKGWRRSS[Leu146=]VITTKIFWGG